The following is an entry in ClinVar:

ClinVar aggregate classification (germline): Uncertain significance (1 of 4 stars; one submission).

Conditions:
Retinoblastoma (RB1). Also called: RETINOBLASTOMA, SOMATIC. Identifiers: Orphanet 790, MedGen C0035335, MeSH D012175, MONDO:0008380, OMIM 180200, HP:0009919. Disease mechanism: loss of function. Inheritance: Both sporadic and heritable forms are tested..

Allele frequency attached by ClinVar (database versions not stated): TOPMed below 0.00001.

Submission:

Labcorp Genetics (formerly Invitae), Labcorp
Classification: Uncertain significance for Retinoblastoma. Last evaluated: 2023-01-30. Review status: criteria provided, single submitter. Criteria: Invitae Variant Classification Sherloc (09022015). Collection method: clinical testing. Allele origin: germline.
Comment: ClinVar contains an entry for this variant (Variation ID: 936295). This sequence change replaces threonine, which is neutral and polar, with lysine, which is basic and polar, at codon 620 of the RB1 protein (p.Thr620Lys). This variant is not present in population databases (gnomAD no frequency). This variant has not been reported in the literature in individuals affected with RB1-related conditions. Advanced modeling of protein sequence and biophysical properties (such as structural, functional, and spatial information, amino acid conservation, physicochemical variation, residue mobility, and thermodynamic stability) performed at Invitae indicates that this missense variant is not expected to disrupt RB1 protein function. In summary, the available evidence is currently insufficient to determine the role of this variant in disease. Therefore, it has been classified as a Variant of Uncertain Significance.

NM_000321.3(RB1):c.1859C>A (p.Thr620Lys)

Gene: RB1 (RB transcriptional corepressor 1; plus strand). Cytogenetic location: 13q14.2.
Variant type: single nucleotide variant.
Coding change: c.1859C>A on transcript NM_000321.3 (MANE Select); coding-DNA position 1859, C replaced by A.
Protein change: p.Thr620Lys; replaces threonine 620 with lysine.
Molecular consequence: missense variant.
Genome position (GRCh38, 1-based): chr13:48,456,248, C>A. VCF-style: chr13-48456248-C-A. GRCh37 (hg19) VCF-style: chr13-49030384-C-A.
Other names: short protein forms T620K.
Identifiers: ClinVar variation 936295 (VCV000936295.9), dbSNP rs554834063, ClinGen allele CA388165778.